The following is an entry in ClinVar:

NM_003193.5(TBCE):c.1523_1558del (p.Asp508_Asn519del)

Genes: B3GALNT2 (beta-1,3-N-acetylgalactosaminyltransferase 2; minus strand), TBCE (tubulin folding cofactor E; plus strand). Cytogenetic location: 1q42.3.
Variant type: Deletion.
Coding change: c.1523_1558del on transcript NM_003193.5 (MANE Select); coding-DNA positions 1523 to 1558, 36 bases deleted.
Protein change: p.Asp508_Asn519del.
Molecular consequence: inframe deletion. On other transcripts: 3 prime UTR variant (1).
Genome position (GRCh38, 1-based): chr1:235,448,701-235,448,736, 36 bases deleted; deleting any 36 consecutive bases within chr1:235,448,692-235,448,736 gives the same sequence; the c. name uses the placement nearest the transcript's 3' end. GRCh37 (hg19): chr1:235,612,016-235,612,051.
Other names: c.*1479_*1514del (NM_152490.5); c.1523_1558del, p.Asp508_Asn519del (NM_001079515.3); c.1676_1711del, p.Asp559_Asn570del (NM_001287801.2); c.1184_1219del, p.Asp395_Asn406del (NM_001287802.2).
Identifiers: ClinVar variation 1003516 (VCV001003516.4), dbSNP rs768749834, ClinGen allele CA1464523.
Genomic context (GRCh38, chr1:235,448,691, plus strand): 5'-TCTTAATCACATCCTTCCCCACCTTCGTTCTAATTTTAGAAGCCGGGCAGAGAAATCGAG[CTGGAAAATGACCTAAAGTCATTACAGTTTTATTCTG>C]TGGAAAATGGAGATTGTCTATTAGTGCGATGGTGACAACCAACTAATAAAATTTAAAGAC-3'

ClinVar aggregate classification (germline): Uncertain significance (1 of 4 stars; one submission).

Submission:

Labcorp Genetics (formerly Invitae), Labcorp
Classification: Uncertain significance. Last evaluated: 2024-08-06. Review status: criteria provided, single submitter. Criteria: Invitae Variant Classification Sherloc (09022015). Collection method: clinical testing. Allele origin: germline.
Comment: This variant, c.1523_1558del, results in the deletion of 12 amino acid(s) of the TBCE protein (p.Asp508_Asn519del), but otherwise preserves the integrity of the reading frame. This variant is present in population databases (rs768749834, gnomAD 0.009%). This variant has not been reported in the literature in individuals affected with TBCE-related conditions. ClinVar contains an entry for this variant (Variation ID: 1003516). Experimental studies and prediction algorithms are not available or were not evaluated, and the functional significance of this variant is currently unknown. In summary, the available evidence is currently insufficient to determine the role of this variant in disease. Therefore, it has been classified as a Variant of Uncertain Significance.